The following is an entry in ClinVar:

NM_007144.3(PCGF2):c.149A>G (p.Asn50Ser)

Gene: PCGF2 (polycomb group ring finger 2; minus strand). Cytogenetic location: 17q12.
Variant type: single nucleotide variant.
Coding change: c.149A>G on transcript NM_007144.3 (MANE Select); coding-DNA position 149, A replaced by G.
Protein change: p.Asn50Ser; replaces asparagine 50 with serine.
Molecular consequence: missense variant.
Genome position (GRCh38, 1-based): chr17:38,739,646, T>C on the plus strand (A>G on the coding strand, the complement: PCGF2 is on the minus strand). VCF-style: chr17-38739646-T-C. GRCh37 (hg19) VCF-style: chr17-36895899-T-C.
Other names: c.149A>G, p.Asn50Ser (NM_001369614.1, NM_001369615.1); c.149A>G (NM_007144.2); short protein forms N50S.
Identifiers: ClinVar variation 2427889 (VCV002427889.5), dbSNP rs369222947, ClinGen allele CA8525131.

ClinVar aggregate classification (germline): Conflicting classifications of pathogenicity. Review status: criteria provided, conflicting classifications (1 of 4 stars). 3 submissions from 3 submitters: Uncertain significance (1); Likely benign (1). 1 of the submissions does not count toward it. Last evaluated 2024-12-05.

Conditions:
PCGF2-related disorder. Also called: PCGF2-related condition.
Inborn genetic diseases. Identifiers: MedGen C0950123, MeSH D030342.

Allele frequency attached by ClinVar (database versions not stated): ExAC 0.00002; gnomAD 0.00003; TOPMed 0.00003; ESP Exome Variant Server 0.00008; gnomAD exomes 0.00016.

Submissions (3):

Ambry Genetics
Classification: Likely benign for Inborn genetic diseases. Last evaluated: 2024-12-05. Review status: criteria provided, single submitter. Criteria: Ambry Variant Classification Scheme 2023. Collection method: clinical testing. Allele origin: germline.

Labcorp Genetics (formerly Invitae), Labcorp
Classification: Uncertain significance. Last evaluated: 2022-02-27. Review status: criteria provided, single submitter. Criteria: Invitae Variant Classification Sherloc (09022015). Collection method: clinical testing. Allele origin: germline.
Comment: This sequence change replaces asparagine, which is neutral and polar, with serine, which is neutral and polar, at codon 50 of the PCGF2 protein (p.Asn50Ser). This variant is present in population databases (rs369222947, gnomAD 0.006%). This variant has not been reported in the literature in individuals affected with PCGF2-related conditions. Algorithms developed to predict the effect of missense changes on protein structure and function (SIFT, PolyPhen-2, Align-GVGD) all suggest that this variant is likely to be tolerated. In summary, the available evidence is currently insufficient to determine the role of this variant in disease. Therefore, it has been classified as a Variant of Uncertain Significance.

PreventionGenetics, part of Exact Sciences
Classification: Uncertain significance for PCGF2-related condition. Last evaluated: 2024-08-26. Review status: no assertion criteria provided. Collection method: clinical testing. Allele origin: germline. Not counted in ClinVar's aggregate classification.
Comment: The PCGF2 c.149A>G variant is predicted to result in the amino acid substitution p.Asn50Ser. To our knowledge, this variant has not been reported in the literature. This variant is reported in 0.0080% of alleles in individuals of African descent in gnomAD. At this time, the clinical significance of this variant is uncertain due to the absence of conclusive functional and genetic evidence.